The following is an entry in ClinVar:

ClinVar aggregate classification (germline): Uncertain significance (1 of 4 stars; one submission).

Conditions:
Aortic valve disease 2 (AOVD2). Identifiers: MedGen C3542024, MONDO:0013902, OMIM 614823.

gnomAD v4.1: 2 of 1,384,980 alleles (0.00014%); highest among the groups gnomAD compares: Non-Finnish European, 0.00019%; no homozygotes.

Submission:

Labcorp Genetics (formerly Invitae), Labcorp
Classification: Uncertain significance for Aortic valve disease 2. Last evaluated: 2022-09-24. Review status: criteria provided, single submitter. Criteria: Invitae Variant Classification Sherloc (09022015). Collection method: clinical testing. Allele origin: germline.
Comment: This sequence change creates a premature translational stop signal (p.Ser163*) in the SMAD6 gene. It is expected to result in an absent or disrupted protein product. However, the current clinical and genetic evidence is not sufficient to establish whether loss-of-function variants in SMAD6 cause disease. The frequency data for this variant in the population databases is considered unreliable, as metrics indicate poor data quality at this position in the gnomAD database. This variant has not been reported in the literature in individuals affected with SMAD6-related conditions. In summary, the available evidence is currently insufficient to determine the role of this variant in disease. Therefore, it has been classified as a Variant of Uncertain Significance.

NM_005585.5(SMAD6):c.488C>A (p.Ser163Ter)

Gene: SMAD6 (SMAD family member 6; plus strand). Cytogenetic location: 15q22.31.
Variant type: single nucleotide variant.
Coding change: c.488C>A on transcript NM_005585.5 (MANE Select); coding-DNA position 488, C replaced by A.
Protein change: p.Ser163Ter; replaces serine 163 with a stop codon.
Molecular consequence: nonsense. On other transcripts: non-coding transcript variant (1).
Genome position (GRCh38, 1-based): chr15:66,703,746, C>A. VCF-style: chr15-66703746-C-A. GRCh37 (hg19) VCF-style: chr15-66996084-C-A.
Other names: short protein forms S163*.
Identifiers: ClinVar variation 2161039 (VCV002161039.4), dbSNP rs1466586758, ClinGen allele CA392949650.